The following is an entry in ClinVar:

ClinVar aggregate classification (germline): Uncertain significance. Review status: criteria provided, multiple submitters, no conflicts (2 of 4 stars). 2 submissions from 2 submitters: Uncertain significance (2). Last evaluated 2025-02-15.

Submissions (2):

Labcorp Genetics (formerly Invitae), Labcorp
Classification: Uncertain significance. Last evaluated: 2025-02-15. Review status: criteria provided, single submitter. Criteria: Invitae Variant Classification Sherloc (09022015). Collection method: clinical testing. Allele origin: germline.
Comment: This sequence change replaces threonine, which is neutral and polar, with proline, which is neutral and non-polar, at codon 630 of the KIF11 protein (p.Thr630Pro). This variant is not present in population databases (gnomAD no frequency). This variant has not been reported in the literature in individuals affected with KIF11-related conditions. ClinVar contains an entry for this variant (Variation ID: 3369352). Invitae Evidence Modeling of protein sequence and biophysical properties (such as structural, functional, and spatial information, amino acid conservation, physicochemical variation, residue mobility, and thermodynamic stability) indicates that this missense variant is not expected to disrupt KIF11 protein function with a negative predictive value of 95%. In summary, the available evidence is currently insufficient to determine the role of this variant in disease. Therefore, it has been classified as a Variant of Uncertain Significance.

GeneDx
Classification: Uncertain significance. Last evaluated: 2024-02-20. Review status: criteria provided, single submitter. Criteria: GeneDx Variant Classification Process June 2021. Collection method: clinical testing. Allele origin: germline. Affected: yes.
Comment: Has not been previously published as pathogenic or benign to our knowledge; Not observed at significant frequency in large population cohorts (gnomAD); In silico analysis supports that this missense variant does not alter protein structure/function

NM_004523.4(KIF11):c.1888A>C (p.Thr630Pro)

Gene: KIF11 (kinesin family member 11; plus strand). Cytogenetic location: 10q23.33.
Variant type: single nucleotide variant.
Coding change: c.1888A>C on transcript NM_004523.4 (MANE Select); coding-DNA position 1888, A replaced by C.
Protein change: p.Thr630Pro; replaces threonine 630 with proline.
Molecular consequence: missense variant.
Genome position (GRCh38, 1-based): chr10:92,637,196, A>C. VCF-style: chr10-92637196-A-C. GRCh37 (hg19) VCF-style: chr10-94396953-A-C.
Other names: short protein forms T630P.
Identifiers: ClinVar variation 3369352 (VCV003369352.2).